The following is an entry in ClinVar:

NM_032730.5(RTN4IP1):c.340G>T (p.Glu114Ter)

Gene: RTN4IP1 (reticulon 4 interacting protein 1; minus strand). Cytogenetic location: 6q21.
Variant type: single nucleotide variant.
Coding change: c.340G>T on transcript NM_032730.5 (MANE Select); coding-DNA position 340, G replaced by T.
Protein change: p.Glu114Ter; replaces glutamic acid 114 with a stop codon.
Molecular consequence: nonsense.
Genome position (GRCh38, 1-based): chr6:106,622,904, C>A on the plus strand (G>T on the coding strand, the complement: RTN4IP1 is on the minus strand). VCF-style: chr6-106622904-C-A. GRCh37 (hg19) VCF-style: chr6-107070779-C-A.
Other names: c.40G>T, p.Glu14Ter (NM_001318746.1); short protein forms E114*, E14*.
Identifiers: ClinVar variation 1071096 (VCV001071096.7), dbSNP rs2114681987, ClinGen allele CA365166105.

ClinVar aggregate classification (germline): Pathogenic (1 of 4 stars; one submission).

Allele frequency attached by ClinVar (database versions not stated): gnomAD exomes below 0.00001.
gnomAD v4.1: 1 of 1,614,142 alleles (0.000062%); highest among the groups gnomAD compares: Non-Finnish European, 0.000085%; no homozygotes.

Submission:

Labcorp Genetics (formerly Invitae), Labcorp
Classification: Pathogenic. Last evaluated: 2020-02-14. Review status: criteria provided, single submitter. Criteria: Invitae Variant Classification Sherloc (09022015). Collection method: clinical testing. Allele origin: germline.
Comment: This sequence change creates a premature translational stop signal (p.Glu114*) in the RTN4IP1 gene. It is expected to result in an absent or disrupted protein product. This variant is not present in population databases (ExAC no frequency). This variant has not been reported in the literature in individuals with RTN4IP1-related conditions. Loss-of-function variants in RTN4IP1 are known to be pathogenic (PMID: 26593267). For these reasons, this variant has been classified as Pathogenic.

Literature cited by the submitters: PubMed 26593267.